The following is an entry in ClinVar:

ClinVar aggregate classification (germline): Uncertain significance (1 of 4 stars; one submission).

Conditions:
Intellectual developmental disorder, X-linked, syndromic 33. Also called: Intellectual disability, X-linked, syndromic 33; X-linked intellectual disability-global development delay-facial dysmorphism-sacral caudal remnant syndrome. Identifiers: Orphanet 480907, MedGen C4225418, MONDO:0010500, OMIM 300966.

Submission:

3billion
Classification: Uncertain significance for Intellectual developmental disorder, X-linked, syndromic 33. Last evaluated: 2024-09-28. Review status: criteria provided, single submitter. Criteria: ACMG Guidelines, 2015. Collection method: clinical testing. Allele origin: germline. Affected: yes.
Comment: The variant is not observed in the gnomAD v4.1.0 dataset. Predicted Consequence/Location: Missense variant. Missense changes are a common disease-causing mechanism. In silico tool predictions suggest damaging effect of the variant on gene or gene product [REVEL: 0.66 (>=0.6, sensitivity 0.68 and specificity 0.92); 3Cnet: 0.15 (>=0.6, sensitivity 0.72 and precision 0.9)]. Therefore, this variant is classified as VUS according to the recommendation of ACMG/AMP guideline.

NM_004606.5(TAF1):c.1760G>A (p.Gly587Glu)

Gene: TAF1 (TATA-box binding protein associated factor 1; plus strand). Cytogenetic location: Xq13.1.
Variant type: single nucleotide variant.
Coding change: c.1760G>A on transcript NM_004606.5 (MANE Select); coding-DNA position 1760, G replaced by A.
Protein change: p.Gly587Glu; replaces glycine 587 with glutamic acid.
Molecular consequence: missense variant. On other transcripts: non-coding transcript variant (9).
Genome position (GRCh38, 1-based): chrX:71,382,855, G>A. VCF-style: chrX-71382855-G-A. GRCh37 (hg19) VCF-style: chrX-70602705-G-A.
Other names: c.1760G>A, p.Gly587Glu (NM_001286074.2, NM_001440852.1, NM_001440853.1); c.1697G>A, p.Gly566Glu (NM_001440854.1, NM_138923.4); short protein forms G566E, G587E.
Identifiers: ClinVar variation 4293208 (VCV004293208.1).